The following is an entry in ClinVar:

ClinVar aggregate classification (germline): Likely benign. Review status: reviewed by expert panel (3 of 4 stars). 2 submissions from 2 submitters: Likely benign (1). 1 of the submissions does not count toward it. Last evaluated 2026-05-19.

Conditions:
PIK3R1-related immunodeficiency and SHORT syndrome. Identifiers: MedGen CN379774, MONDO:1060136.
Agammaglobulinemia 7, autosomal recessive (AGM7). Also called: AGAMMAGLOBULINEMIA, AUTOSOMAL RECESSIVE, DUE TO PIK3R1 DEFECT. Identifiers: MedGen C3554689, MONDO:0014083, OMIM 615214.
SHORT syndrome. Also called: SHORT STATURE, HYPEREXTENSIBILITY, HERNIA, OCULAR DEPRESSION, RIEGER ANOMALY, AND TEETHING DELAY; PIK3R1-Related SHORT Syndrome; LIPODYSTROPHY, PARTIAL, WITH RIEGER ANOMALY AND SHORT STATURE. Identifiers: Orphanet 3163, MedGen C0878684, MONDO:0010026, OMIM 269880.
Immunodeficiency 36 with lymphoproliferation. Also called: Immunodeficiency 36; ACTIVATED PI3K-DELTA SYNDROME 2; Activated PI3K Delta Syndrome Type 2 (APDS2). Identifiers: Orphanet 397596, Orphanet 693681, MedGen C4014934, MONDO:0014453, OMIM 616005.

Allele frequency attached by ClinVar (database versions not stated): gnomAD exomes below 0.00001 and 0.00001.
gnomAD v4.1: 2 of 1,447,212 alleles (0.00014%); highest among the groups gnomAD compares: South Asian, 0.0012%; no homozygotes.

Submissions (2):

ClinGen Primary Immune Regulatory Disorders Variant Curation Expert Panel, ClinGen
Classification: Likely benign for PIK3R1-related immunodeficiency and SHORT syndrome. Last evaluated: 2026-05-19. Review status: reviewed by expert panel. Criteria: ClinGen AbDef ACMG Specifications PIK3R1 V1.0.0. Collection method: curation. Allele origin: germline. Inheritance: Autosomal dominant inheritance.
Comment: NM_181523.3(PIK3R1):c.1305A>G (p.Gln435=) is a synonymous variant near the 5' end of exon 11 that is not predicted to impact PIK3R1 splicing (BP7). The splicing impact predictor SpliceAI gives a score of 0.15 for acceptor gain, which is below the ClinGen Antibody Deficiencies VCEP recommended threshold of <0.1 and does not predict an impact on splicing (BP4). This variant is present in gnomAD v4.1.0 at a total allele frequency of 0.000001382, with 2 alleles / 1,447,212 total alleles across all populations of gnomAD, which is higher than the ClinGen Antibody Deficiencies PM2_Supporting threshold of <0.00000132. This variant is present in gnomAD v4.1.0 at an allele frequency of 0.00001227, with 1 allele / 81,486 total alleles in the South Asian population, which is lower than the BS1 threshold of >0.000316, with no GrpMax allele frequency, so no population code was met. In summary, this variant meets the criteria to be classified as likely benign for autosomal dominant PIK3R1-related immunodeficiency and SHORT syndrome based on the ACMG/AMP criteria applied, as specified by the ClinGen Antibody Deficiencies VCEP: BP7 and BP4. (VCEP specifications version 1.0.0; date of approval 04/29/2026).

Labcorp Genetics (formerly Invitae), Labcorp
Classification: Likely benign for SHORT syndrome; Immunodeficiency 36 with lymphoproliferation; Agammaglobulinemia 7, autosomal recessive. Last evaluated: 2024-02-17. Review status: criteria provided, single submitter. Criteria: Invitae Variant Classification Sherloc (09022015). Collection method: clinical testing. Allele origin: germline. Not counted in ClinVar's aggregate classification.

NM_181523.3(PIK3R1):c.1305A>G (p.Gln435=)

Gene: PIK3R1 (phosphoinositide-3-kinase regulatory subunit 1; plus strand). Cytogenetic location: 5q13.1.
Variant type: single nucleotide variant.
Coding change: c.1305A>G on transcript NM_181523.3 (MANE Select); coding-DNA position 1305, A replaced by G.
Protein change: p.Gln435=; no amino-acid change (glutamine 435 retained).
Molecular consequence: synonymous variant.
Genome position (GRCh38, 1-based): chr5:68,293,714, A>G. VCF-style: chr5-68293714-A-G. GRCh37 (hg19) VCF-style: chr5-67589542-A-G.
Other names: NM_181523.3(PIK3R1):c.1305A>G; p.Gln435=; c.216A>G, p.Gln72= (NM_001242466.2); c.495A>G, p.Gln165= (NM_181504.4); c.405A>G, p.Gln135= (NM_181524.2).
Identifiers: ClinVar variation 1353448 (VCV001353448.9), dbSNP rs935776281, ClinGen allele CA119905957.